The following is an entry in ClinVar:

NM_002427.4(MMP13):c.190A>G (p.Met64Val)

Genes: MMP13 (matrix metallopeptidase 13; minus strand), LOC126861318 (BRD4-independent group 4 enhancer GRCh37_chr11:102825894-102827093; plus strand). Cytogenetic location: 11q22.2.
Variant type: single nucleotide variant.
Coding change: c.190A>G on transcript NM_002427.4 (MANE Select); coding-DNA position 190, A replaced by G.
Protein change: p.Met64Val; replaces methionine 64 with valine.
Molecular consequence: missense variant.
Genome position (GRCh38, 1-based): chr11:102,955,424, T>C on the plus strand (A>G on the coding strand, the complement: MMP13 is on the minus strand). VCF-style: chr11-102955424-T-C. GRCh37 (hg19) VCF-style: chr11-102826153-T-C.
Other names: short protein forms M64V.
Identifiers: ClinVar variation 4525708 (VCV004525708.1).

ClinVar aggregate classification (germline): Uncertain significance (1 of 4 stars; one submission).

gnomAD v4.1: 3 of 1,614,082 alleles (0.00019%); highest among the groups gnomAD compares: East Asian, 0.0022%; no homozygotes.

Submission:

Women's Health and Genetics/Laboratory Corporation of America, LabCorp
Classification: Uncertain significance. Last evaluated: 2025-07-22. Review status: criteria provided, single submitter. Criteria: LabCorp Variant Classification Summary - May 2015. Collection method: clinical testing. Allele origin: germline.
Comment: Variant summary: MMP13 c.190A>G (p.Met64Val) results in a conservative amino acid change in the encoded protein sequence. Algorithms developed to predict the effect of missense changes on protein structure and function all suggest that this variant is likely to be tolerated. The variant was absent in 251408 control chromosomes. The available data on variant occurrences in the general population are insufficient to allow any conclusion about variant significance. To our knowledge, no occurrence of c.190A>G in individuals affected with Metaphyseal Anadysplasia 1, Autosomal Dominant and no experimental evidence demonstrating its impact on protein function have been reported. No submitters have cited clinical-significance assessments for this variant to ClinVar. Based on the evidence outlined above, the variant was classified as uncertain significance.